The following is an entry in ClinVar:

ClinVar aggregate classification (germline): Uncertain significance (1 of 4 stars; one submission).

gnomAD v4.1: 2 of 1,587,692 alleles (0.00013%); highest among the groups gnomAD compares: South Asian, 0.0011%; no homozygotes.

Submission:

Labcorp Genetics (formerly Invitae), Labcorp
Classification: Uncertain significance. Last evaluated: 2025-05-18. Review status: criteria provided, single submitter. Criteria: Invitae Variant Classification Sherloc (09022015). Collection method: clinical testing. Allele origin: germline.
Comment: This sequence change replaces leucine, which is neutral and non-polar, with proline, which is neutral and non-polar, at codon 151 of the PCGF2 protein (p.Leu151Pro). The frequency data for this variant in the population databases is considered unreliable, as metrics indicate poor data quality at this position in the gnomAD database. This variant has not been reported in the literature in individuals affected with PCGF2-related conditions. ClinVar contains an entry for this variant (Variation ID: 3665090). Invitae Evidence Modeling of protein sequence and biophysical properties (such as structural, functional, and spatial information, amino acid conservation, physicochemical variation, residue mobility, and thermodynamic stability) indicates that this missense variant is not expected to disrupt PCGF2 protein function with a negative predictive value of 80%. In summary, the available evidence is currently insufficient to determine the role of this variant in disease. Therefore, it has been classified as a Variant of Uncertain Significance.

NM_007144.3(PCGF2):c.452T>C (p.Leu151Pro)

Gene: PCGF2 (polycomb group ring finger 2; minus strand). Cytogenetic location: 17q12.
Variant type: single nucleotide variant.
Coding change: c.452T>C on transcript NM_007144.3 (MANE Select); coding-DNA position 452, T replaced by C.
Protein change: p.Leu151Pro; replaces leucine 151 with proline.
Molecular consequence: missense variant.
Genome position (GRCh38, 1-based): chr17:38,738,569, A>G on the plus strand (T>C on the coding strand, the complement: PCGF2 is on the minus strand). VCF-style: chr17-38738569-A-G. GRCh37 (hg19) VCF-style: chr17-36894822-A-G.
Other names: c.452T>C, p.Leu151Pro (NM_001369614.1, NM_001369615.1); short protein forms L151P.
Identifiers: ClinVar variation 3665090 (VCV003665090.2).